The following is an entry in ClinVar:

ClinVar aggregate classification (germline): Uncertain significance (1 of 4 stars; one submission).

Conditions:
Spastic paraplegia. Identifiers: MedGen C0037772, HP:0001258.

Allele frequency attached by ClinVar (database versions not stated): gnomAD exomes below 0.00001; TOPMed 0.00002.
gnomAD v4.1: 1 of 1,203,415 alleles (0.000083%); highest among the groups gnomAD compares: Admixed American, 0.0022%; no homozygotes.

Submission:

Labcorp Genetics (formerly Invitae), Labcorp
Classification: Uncertain significance for Spastic paraplegia. Last evaluated: 2024-02-17. Review status: criteria provided, single submitter. Criteria: Invitae Variant Classification Sherloc (09022015). Collection method: clinical testing. Allele origin: germline.
Comment: This sequence change falls in intron 4 of the L1CAM gene. It does not directly change the encoded amino acid sequence of the L1CAM protein. It affects a nucleotide within the consensus splice site. This variant is not present in population databases (gnomAD no frequency). This variant has not been reported in the literature in individuals affected with L1CAM-related conditions. Variants that disrupt the consensus splice site are a relatively common cause of aberrant splicing (PMID: 17576681, 9536098). Algorithms developed to predict the effect of sequence changes on RNA splicing suggest that this variant may disrupt the consensus splice site. In summary, the available evidence is currently insufficient to determine the role of this variant in disease. Therefore, it has been classified as a Variant of Uncertain Significance.

Literature cited by the submitters: PubMed 17576681; PubMed 9536098.

NM_001278116.2(L1CAM):c.400+4C>T

Gene: L1CAM (L1 cell adhesion molecule; minus strand). Cytogenetic location: Xq28.
Variant type: single nucleotide variant.
Coding change: c.400+4C>T on transcript NM_001278116.2 (MANE Select); 4 bases into the intron after coding-DNA position 400, C replaced by T.
Molecular consequence: intron variant.
Genome position (GRCh38, 1-based): chrX:153,872,148, G>A on the plus strand (C>T on the coding strand, the complement: L1CAM is on the minus strand). VCF-style: chrX-153872148-G-A. GRCh37 (hg19) VCF-style: chrX-153137603-G-A.
Other names: c.385+4C>T (NM_001143963.2); c.400+4C>T (NM_024003.3, NM_000425.5).
Identifiers: ClinVar variation 2968856 (VCV002968856.3), dbSNP rs1265312506, ClinGen allele CA873292058.